The following is an entry in ClinVar:

ClinVar aggregate classification (germline): Benign/Likely benign. Review status: criteria provided, multiple submitters, no conflicts (2 of 4 stars). 11 submissions from 11 submitters: Benign (2); Likely benign (9). Last evaluated 2026-01-20.

Conditions:
Hereditary nonpolyposis colorectal neoplasms. Identifiers: MedGen C0009405, MeSH D003123.
Hereditary cancer-predisposing syndrome. Also called: Tumor predisposition; Neoplastic Syndromes, Hereditary; Hereditary neoplastic syndrome; Hereditary Cancer Syndrome. Identifiers: Orphanet 140162, MedGen C0027672, MeSH D009386, MONDO:0015356.
Lynch syndrome. Identifiers: Orphanet 144, MedGen C4552100, MONDO:0005835. Disease mechanism: loss of function.
Lynch syndrome 4 (LYNCH4). Also called: Colorectal cancer, hereditary nonpolyposis, type 4; Hereditary non-polyposis colorectal cancer, type 4. Identifiers: Orphanet 144, MedGen C1838333, MONDO:0013699, OMIM 614337. Disease mechanism: loss of function.

Allele frequency attached by ClinVar (database versions not stated): TOPMed 0.00001.
gnomAD v4.1: 39 of 1,562,592 alleles (0.0025%); highest among the groups gnomAD compares: South Asian, 0.0033%; no homozygotes.

Submissions (11):

Labcorp Genetics (formerly Invitae), Labcorp
Classification: Likely benign for Hereditary nonpolyposis colorectal neoplasms. Last evaluated: 2026-01-20. Review status: criteria provided, single submitter. Criteria: Invitae Variant Classification Sherloc (09022015). Collection method: clinical testing. Allele origin: germline.

Quest Diagnostics Nichols Institute San Juan Capistrano
Classification: Likely benign. Last evaluated: 2025-05-12. Review status: criteria provided, single submitter. Criteria: Quest Diagnostics criteria. Collection method: clinical testing. Allele origin: unknown.

KCCC/NGS Laboratory, Kuwait Cancer Control Center
Classification: Benign for Lynch syndrome 4. Last evaluated: 2025-02-01. Review status: criteria provided, single submitter. Criteria: ACMG Guidelines, 2015. Collection method: clinical testing. Allele origin: germline. Affected: no.

Myriad Genetics, Inc.
Classification: Benign for Lynch syndrome 4. Last evaluated: 2025-01-24. Review status: criteria provided, single submitter. Criteria: Myriad Autosomal Dominant, Autosomal Recessive and X-Linked Classification Criteria (2023). Collection method: clinical testing. Allele origin: unknown.
Comment: This variant is considered benign. This variant is a silent/synonymous amino acid change and it is not expected to impact splicing.

Blueprint Genetics
Classification: Likely benign. Last evaluated: 2024-04-16. Review status: criteria provided, single submitter. Criteria: ACMG Guidelines, 2015. Collection method: clinical testing. Allele origin: germline.

All of Us Research Program, National Institutes of Health
Classification: Likely benign for Lynch syndrome. Last evaluated: 2023-12-01. Review status: criteria provided, single submitter. Criteria: ACMG Guidelines, 2015. Collection method: clinical testing. Allele origin: germline. Inheritance: Autosomal dominant inheritance. Observed: 8 variant alleles, 8 heterozygotes.
Comment: This study involves interpretation of variants in research participants for the purpose of population health screening. Participant phenotype was not available at the time of variant classification. Additional details can be found in publication PMID: 35346344, PMCID: PMC8962531

Sema4
Classification: Likely benign for Hereditary cancer-predisposing syndrome. Last evaluated: 2021-04-19. Review status: criteria provided, single submitter. Criteria: Sema4 Curation Guidelines. Collection method: curation. Allele origin: germline.

Women's Health and Genetics/Laboratory Corporation of America, LabCorp
Classification: Likely benign. Last evaluated: 2019-08-29. Review status: criteria provided, single submitter. Criteria: LabCorp Variant Classification Summary - May 2015. Collection method: clinical testing. Allele origin: germline.

GeneDx
Classification: Likely benign. Last evaluated: 2016-07-29. Review status: criteria provided, single submitter. Criteria: GeneDx Variant Classification (06012015). Collection method: clinical testing. Allele origin: germline. Affected: yes.
Comment: This variant is considered likely benign or benign based on one or more of the following criteria: it is a conservative change, it occurs at a poorly conserved position in the protein, it is predicted to be benign by multiple in silico algorithms, and/or has population frequency not consistent with disease.

Color Diagnostics, LLC DBA Color Health
Classification: Likely benign for Hereditary cancer-predisposing syndrome. Last evaluated: 2015-11-19. Review status: criteria provided, single submitter. Criteria: ACMG Guidelines, 2015. Collection method: clinical testing. Allele origin: germline.

Ambry Genetics
Classification: Likely benign for Hereditary cancer-predisposing syndrome. Last evaluated: 2015-08-28. Review status: criteria provided, single submitter. Criteria: Ambry Variant Classification Scheme 2023. Collection method: clinical testing. Allele origin: germline.

Literature cited by the submitters: PubMed 30306255 (cited by Quest Diagnostics Nichols Institute San Juan Capistrano).

NM_000535.7(PMS2):c.348A>C (p.Ala116=)

Gene: PMS2 (PMS1 homolog 2, mismatch repair system component; minus strand). Cytogenetic location: 7p22.1.
Variant type: single nucleotide variant.
Coding change: c.348A>C on transcript NM_000535.7 (MANE Select); coding-DNA position 348, A replaced by C.
Protein change: p.Ala116=; no amino-acid change (alanine 116 retained).
Molecular consequence: synonymous variant. On other transcripts: 5 prime UTR variant (9), non-coding transcript variant (1), intron variant (2).
Genome position (GRCh38, 1-based): chr7:6,003,695, T>G on the plus strand (A>C on the coding strand, the complement: PMS2 is on the minus strand). VCF-style: chr7-6003695-T-G. GRCh37 (hg19) VCF-style: chr7-6043326-T-G.
Other names: c.-58A>C (NM_001322003.2, NM_001322004.2, NM_001322005.2 and 3 more transcripts); c.348A>C, p.Ala116= (NM_001322006.2, NM_001322014.2); c.-537A>C (NM_001322011.2, NM_001322012.2); c.-137A>C (NM_001322015.2); c.35+277A>C (NM_001322008.2, NM_001322007.2); c.348A>C (NM_000535.6).
Identifiers: ClinVar variation 184628 (VCV000184628.25), dbSNP rs763057312, ClinGen allele CA011899.